The following is an entry in ClinVar:

ClinVar aggregate classification (germline): Likely benign. Review status: criteria provided, multiple submitters, no conflicts (2 of 4 stars). 2 submissions from 2 submitters: Likely benign (2). Last evaluated 2024-01-01.

Conditions:
Hypogonadotropic hypogonadism 2 with or without anosmia (HH2). Also called: HYPOGONADOTROPIC HYPOGONADISM 2 WITH OR WITHOUT ANOSMIA, SUSCEPTIBILITY TO; HYPOGONADOTROPIC HYPOGONADISM 2 WITHOUT ANOSMIA; HYPOGONADOTROPIC HYPOGONADISM 2 WITHOUT ANOSMIA, SUSCEPTIBILITY TO; FGFR1-Related GnRH Deficiency (Kallmann Syndrome 2). Identifiers: Orphanet 478, MedGen C1563720, MONDO:0007844, OMIM 147950. Disease mechanism: loss of function.
Pfeiffer syndrome (ACS5). Also called: ACS V. Identifiers: Orphanet 710, MedGen C0220658, MONDO:0007043, OMIM 101600.

gnomAD v4.1: 7 of 1,613,296 alleles (0.00043%); highest among the groups gnomAD compares: Admixed American, 0.01%; no homozygotes.

Submissions (2):

CeGaT Center for Human Genetics Tuebingen
Classification: Likely benign. Last evaluated: 2024-01-01. Review status: criteria provided, single submitter. Criteria: CeGaT Center For Human Genetics Tuebingen Variant Classification Criteria Version 2. Collection method: clinical testing. Allele origin: germline. Affected: yes. Observed: 1 variant allele.
Comment: FGFR1: BP4, BP7

Labcorp Genetics (formerly Invitae), Labcorp
Classification: Likely benign for Pfeiffer syndrome; Hypogonadotropic hypogonadism 2 with or without anosmia. Last evaluated: 2023-01-22. Review status: criteria provided, single submitter. Criteria: Invitae Variant Classification Sherloc (09022015). Collection method: clinical testing. Allele origin: germline.

NM_023110.3(FGFR1):c.75G>C (p.Pro25=)

Gene: FGFR1 (fibroblast growth factor receptor 1; minus strand). Cytogenetic location: 8p11.23.
Variant type: single nucleotide variant.
Coding change: c.75G>C on transcript NM_023110.3 (MANE Select); coding-DNA position 75, G replaced by C.
Protein change: p.Pro25=; no amino-acid change (proline 25 retained).
Molecular consequence: synonymous variant. On other transcripts: 5 prime UTR variant (1).
Genome position (GRCh38, 1-based): chr8:38,457,372, C>G on the plus strand (G>C on the coding strand, the complement: FGFR1 is on the minus strand). VCF-style: chr8-38457372-C-G. GRCh37 (hg19) VCF-style: chr8-38314890-C-G.
Other names: c.75G>C, p.Pro25= (NM_001174063.2, NM_001174065.2, NM_001174066.2 and 7 more transcripts); c.-18G>C (NM_001174064.2); c.174G>C, p.Pro58= (NM_001174067.2).
Identifiers: ClinVar variation 1550374 (VCV001550374.30), dbSNP rs17175757, ClinGen allele CA460464045.